The following is an entry in ClinVar:

NM_015474.4(SAMHD1):c.1096C>T (p.Arg366Cys)

Gene: SAMHD1 (SAM and HD domain containing deoxynucleoside triphosphate triphosphohydrolase 1; minus strand). Cytogenetic location: 20q11.23.
Variant type: single nucleotide variant.
Coding change: c.1096C>T on transcript NM_015474.4 (MANE Select); coding-DNA position 1096, C replaced by T.
Protein change: p.Arg366Cys; replaces arginine 366 with cysteine.
Molecular consequence: missense variant.
Genome position (GRCh38, 1-based): chr20:36,912,519, G>A on the plus strand (C>T on the coding strand, the complement: SAMHD1 is on the minus strand). VCF-style: chr20-36912519-G-A. GRCh37 (hg19) VCF-style: chr20-35540922-G-A.
Other names: c.1096C>T, p.Arg366Cys (NM_001363729.2, NM_001363733.2); short protein forms R366C.
Identifiers: ClinVar variation 1017517 (VCV001017517.9), dbSNP rs138089277, ClinGen allele CA408844285.

ClinVar aggregate classification (germline): Uncertain significance. Review status: criteria provided, single submitter (1 of 4 stars). 2 submissions from 2 submitters: Uncertain significance (1). 1 of the submissions does not count toward it. Last evaluated 2025-03-31.

Conditions:
Aicardi Goutieres syndrome (AGS). Also called: Encephalopathy, familial infantile, with calcification of basal ganglia and chronic cerebrospinal fluid lymphocytosis. Identifiers: Orphanet 51, MedGen C0393591, MONDO:0018866.
Aicardi-Goutieres syndrome 5. Identifiers: Orphanet 51, MedGen C2749659, MONDO:0013059, OMIM 612952.

gnomAD v4.1: 6 of 1,613,056 alleles (0.00037%); highest among the groups gnomAD compares: East Asian, 0.0022%; no homozygotes.

Submissions (2):

Labcorp Genetics (formerly Invitae), Labcorp
Classification: Uncertain significance for Aicardi-Goutieres syndrome 5. Last evaluated: 2025-03-31. Review status: criteria provided, single submitter. Criteria: Invitae Variant Classification Sherloc (09022015). Collection method: clinical testing. Allele origin: germline.
Comment: This sequence change replaces arginine, which is basic and polar, with cysteine, which is neutral and slightly polar, at codon 366 of the SAMHD1 protein (p.Arg366Cys). This variant is not present in population databases (gnomAD no frequency). This variant has not been reported in the literature in individuals affected with SAMHD1-related conditions. ClinVar contains an entry for this variant (Variation ID: 1017517). Invitae Evidence Modeling of protein sequence and biophysical properties (such as structural, functional, and spatial information, amino acid conservation, physicochemical variation, residue mobility, and thermodynamic stability) has been performed for this missense variant. However, the output from this modeling did not meet the statistical confidence thresholds required to predict the impact of this variant on SAMHD1 protein function. Experimental studies have shown that this missense change affects SAMHD1 function (PMID: 34492268). In summary, the available evidence is currently insufficient to determine the role of this variant in disease. Therefore, it has been classified as a Variant of Uncertain Significance.

Natera, Inc.
Classification: Uncertain significance for Aicardi-Goutieres syndrome. Last evaluated: 2019-12-30. Review status: no assertion criteria provided. Collection method: clinical testing. Allele origin: germline. Not counted in ClinVar's aggregate classification.

Literature cited by the submitters: PubMed 34492268 (cited by Labcorp Genetics (formerly Invitae), Labcorp).